The following is an entry in ClinVar:

ClinVar aggregate classification (germline): Pathogenic. Review status: criteria provided, multiple submitters, no conflicts (2 of 4 stars). 2 submissions from 2 submitters: Pathogenic (2). Last evaluated 2022-03-19.

Conditions:
Developmental and epileptic encephalopathy, 42 (DEE42A). Also called: DEVELOPMENTAL AND EPILEPTIC ENCEPHALOPATHY 42A; Epileptic encephalopathy, early infantile, 42; EPILEPTIC ENCEPHALOPATHY, EARLY INFANTILE, 42A. Identifiers: MedGen C4310716, MONDO:0014917, OMIM 617106.
Episodic ataxia type 2 (EA2). Also called: ATAXIA, EPISODIC, WITH NYSTAGMUS; ATAXIA, FAMILIAL PAROXYSMAL; CEREBELLAR ATAXIA, PAROXYSMAL, ACETAZOLAMIDE-RESPONSIVE; CEREBELLOPATHY, HEREDITARY PAROXYSMAL; EPISODIC ATAXIA, NYSTAGMUS-ASSOCIATED; ACETAZOLAMIDE-RESPONSIVE HEREDITARY PAROXYSMAL CEREBELLAR ATAXIA. Identifiers: Orphanet 97, MedGen C1720416, MONDO:0007163, OMIM 108500.

Allele frequency attached by ClinVar (database versions not stated): ExAC 0.00001.

Submissions (2):

Labcorp Genetics (formerly Invitae), Labcorp
Classification: Pathogenic for Developmental and epileptic encephalopathy, 42; Episodic ataxia type 2. Last evaluated: 2022-03-19. Review status: criteria provided, single submitter. Criteria: Invitae Variant Classification Sherloc (09022015). Collection method: clinical testing. Allele origin: germline.
Comment: For these reasons, this variant has been classified as Pathogenic. Algorithms developed to predict the effect of sequence changes on RNA splicing suggest that this variant may create or strengthen a splice site. ClinVar contains an entry for this variant (Variation ID: 583270). This premature translational stop signal has been observed in individual(s) with clinical features of CACNA1A-related conditions (Invitae). This sequence change creates a premature translational stop signal (p.Arg2069*) in the CACNA1A gene. It is expected to result in an absent or disrupted protein product. Loss-of-function variants in CACNA1A are known to be pathogenic (PMID: 10371528, 19486177, 25735478, 27250579). This variant is not present in population databases (gnomAD no frequency).

CeGaT Center for Human Genetics Tuebingen
Classification: Pathogenic. Last evaluated: 2019-08-01. Review status: criteria provided, single submitter. Criteria: CeGaT Center For Human Genetics Tuebingen Variant Classification Criteria Version 2. Collection method: clinical testing. Allele origin: germline. Affected: yes. Observed: 1 variant allele.

Literature cited by the submitters: PubMed 10371528 (cited by Labcorp Genetics (formerly Invitae), Labcorp); PubMed 19486177 (cited by Labcorp Genetics (formerly Invitae), Labcorp); PubMed 25735478 (cited by Labcorp Genetics (formerly Invitae), Labcorp); PubMed 27250579 (cited by Labcorp Genetics (formerly Invitae), Labcorp).

NM_001127222.2(CACNA1A):c.6202C>T (p.Arg2068Ter)

Gene: CACNA1A (calcium voltage-gated channel subunit alpha1 A; minus strand). Cytogenetic location: 19p13.13.
Variant type: single nucleotide variant.
Coding change: c.6202C>T on transcript NM_001127222.2 (MANE Select); coding-DNA position 6202, C replaced by T.
Protein change: p.Arg2068Ter; replaces arginine 2068 with a stop codon.
Molecular consequence: nonsense.
Genome position (GRCh38, 1-based): chr19:13,212,204, G>A on the plus strand (C>T on the coding strand, the complement: CACNA1A is on the minus strand). VCF-style: chr19-13212204-G-A. GRCh37 (hg19) VCF-style: chr19-13323018-G-A.
Other names: c.6220C>T, p.Arg2074Ter (NM_000068.4, NM_023035.3); c.6205C>T, p.Arg2069Ter (NM_001127221.2); c.6211C>T, p.Arg2071Ter (NM_001174080.2); short protein forms R2069*, R2068*, R2074*, R2071*.
Identifiers: ClinVar variation 583270 (VCV000583270.49), dbSNP rs779221807, ClinGen allele CA9239432.